The following is an entry in ClinVar:

NM_001166108.2(PALLD):c.1117A>G (p.Ser373Gly)

Gene: PALLD (palladin, cytoskeletal associated protein; plus strand). Cytogenetic location: 4q32.3.
Variant type: single nucleotide variant.
Coding change: c.1117A>G on transcript NM_001166108.2 (MANE Select); coding-DNA position 1117, A replaced by G.
Protein change: p.Ser373Gly; replaces serine 373 with glycine.
Molecular consequence: missense variant. On other transcripts: 5 prime UTR variant (1).
Genome position (GRCh38, 1-based): chr4:168,681,361, A>G. VCF-style: chr4-168681361-A-G. GRCh37 (hg19) VCF-style: chr4-169602512-A-G.
Other names: c.-30A>G (NM_001166109.2); c.1117A>G, p.Ser373Gly (NM_016081.4); short protein forms S373G.
Identifiers: ClinVar variation 3226714 (VCV003226714.1), dbSNP rs2531573938, ClinGen allele CA358794045.

ClinVar aggregate classification (germline): Uncertain significance (1 of 4 stars; one submission).

Submission:

Ambry Genetics
Classification: Uncertain significance. Last evaluated: 2023-11-16. Review status: criteria provided, single submitter. Criteria: Ambry Variant Classification Scheme 2023. Collection method: clinical testing. Allele origin: germline.
Comment: The p.S373G variant (also known as c.1117A>G), located in coding exon 3 of the PALLD gene, results from an A to G substitution at nucleotide position 1117. The serine at codon 373 is replaced by glycine, an amino acid with similar properties. This amino acid position is conserved. In addition, this alteration is predicted to be tolerated by in silico analysis. Since supporting evidence is limited at this time, the clinical significance of this alteration remains unclear.